The following is an entry in ClinVar:

NM_002834.5(PTPN11):c.731A>G (p.Lys244Arg)

Gene: PTPN11 (protein tyrosine phosphatase non-receptor type 11; plus strand). Cytogenetic location: 12q24.13.
Variant type: single nucleotide variant.
Coding change: c.731A>G on transcript NM_002834.5 (MANE Select); coding-DNA position 731, A replaced by G.
Protein change: p.Lys244Arg; replaces lysine 244 with arginine.
Molecular consequence: missense variant.
Genome position (GRCh38, 1-based): chr12:112,456,038, A>G. VCF-style: chr12-112456038-A-G. GRCh37 (hg19) VCF-style: chr12-112893842-A-G.
Other names: c.731A>G, p.Lys244Arg (NM_001330437.2, NM_080601.3); c.728A>G, p.Lys243Arg (NM_001374625.1); short protein forms K243R, K244R.
Identifiers: ClinVar variation 5027623 (VCV005027623.1).

ClinVar aggregate classification (germline): Uncertain significance (1 of 4 stars; one submission).

Conditions:
Cardiovascular phenotype. Identifiers: MedGen CN230736.

Submission:

Ambry Genetics
Classification: Uncertain significance for Cardiovascular phenotype. Last evaluated: 2026-07-18. Review status: criteria provided, single submitter. Criteria: Ambry Variant Classification Scheme 2023. Collection method: clinical testing. Allele origin: germline.
Comment: The p.K244R variant (also known as c.731A>G), located in coding exon 6 of the PTPN11 gene, results from an A to G substitution at nucleotide position 731. The lysine at codon 244 is replaced by arginine, an amino acid with highly similar properties. This amino acid position is conserved. In addition, the in silico prediction for this alteration is inconclusive. Based on the available evidence, the clinical significance of this variant remains unclear.